The following is an entry in ClinVar:

NM_001005242.3(PKP2):c.1035-2A>G

Gene: PKP2 (plakophilin 2; minus strand). Cytogenetic location: 12p11.21.
Variant type: single nucleotide variant.
Coding change: c.1035-2A>G on transcript NM_001005242.3 (MANE Select); the canonical splice acceptor site of the intron before coding-DNA position 1035, A replaced by G.
Molecular consequence: splice acceptor variant.
Genome position (GRCh38, 1-based): chr12:32,869,064, T>C on the plus strand (A>G on the coding strand, the complement: PKP2 is on the minus strand). VCF-style: chr12-32869064-T-C. GRCh37 (hg19) VCF-style: chr12-33021998-T-C.
Other names: c.1035-2A>G (NM_001407156.1, NM_001407155.1, NM_004572.4 and 2 more transcripts); c.708-2A>G (NM_001407160.1, NM_001407159.1, NM_001407158.1 and 1 more transcripts).
Identifiers: ClinVar variation 1678149 (VCV001678149.3), dbSNP rs2137920191, ClinGen allele CA384360032.

ClinVar aggregate classification (germline): Pathogenic/Likely pathogenic. Review status: criteria provided, multiple submitters, no conflicts (2 of 4 stars). 3 submissions from 3 submitters: Pathogenic (1); Likely pathogenic (2). Last evaluated 2025-12-22.

Conditions:
Arrhythmogenic right ventricular dysplasia 9 (ARVD9). Also called: Arrhythmogenic Right Ventricular Dysplasia/Cardiomyopathy 9; ARRHYTHMOGENIC RIGHT VENTRICULAR DYSPLASIA, FAMILIAL, 9. Identifiers: MedGen C1836906, MONDO:0012180, OMIM 609040.

Submissions (3):

Labcorp Genetics (formerly Invitae), Labcorp
Classification: Likely pathogenic for Arrhythmogenic right ventricular dysplasia 9. Last evaluated: 2025-12-22. Review status: criteria provided, single submitter. Criteria: Invitae Variant Classification Sherloc (09022015). Collection method: clinical testing. Allele origin: germline.
Comment: This sequence change affects an acceptor splice site in intron 3 of the PKP2 gene. It is expected to disrupt RNA splicing. Variants that disrupt the donor or acceptor splice site typically lead to a loss of protein function (PMID: 16199547), and loss-of-function variants in PKP2 are known to be pathogenic (PMID: 15489853, 17041889, 23911551). This variant is not present in population databases (gnomAD no frequency). Disruption of this splice site has been observed in individual(s) with arrhythmogenic right ventricular cardiomyopathy (PMID: 24689027). ClinVar contains an entry for this variant (Variation ID: 1678149). Algorithms developed to predict the effect of sequence changes on RNA splicing suggest that this variant may disrupt the consensus splice site. In summary, the currently available evidence indicates that the variant is pathogenic, but additional data are needed to prove that conclusively. Therefore, this variant has been classified as Likely Pathogenic.

Clinical Genetics Laboratory, University Hospital Schleswig-Holstein
Classification: Pathogenic for Arrhythmogenic right ventricular dysplasia 9. Last evaluated: 2025-01-14. Review status: criteria provided, single submitter. Criteria: ACMG Guidelines, 2015. Collection method: clinical testing. Allele origin: germline. Affected: yes.
Comment: ACMG criteria applied: PVS1, PS4_Supporting, PM2

AiLife Diagnostics
Classification: Likely pathogenic. Last evaluated: 2022-01-10. Review status: criteria provided, single submitter. Criteria: ACMG Guidelines, 2015. Collection method: clinical testing. Allele origin: germline. Affected: yes. Observed: 1 variant allele.

Literature cited by the submitters: PubMed 16199547 (cited by Labcorp Genetics (formerly Invitae), Labcorp); PubMed 15489853 (cited by Labcorp Genetics (formerly Invitae), Labcorp); PubMed 17041889 (cited by Labcorp Genetics (formerly Invitae), Labcorp); PubMed 23911551 (cited by Labcorp Genetics (formerly Invitae), Labcorp); PubMed 24689027 (cited by Labcorp Genetics (formerly Invitae), Labcorp).